The following is an entry in ClinVar:

ClinVar aggregate classification (germline): Uncertain significance (1 of 4 stars; one submission).

Conditions:
Charcot-Marie-Tooth disease axonal type 2C (HMSN2C). Also called: CHARCOT-MARIE-TOOTH DISEASE, AXONAL, AUTOSOMAL DOMINANT, TYPE 2C; Charcot-Marie-Tooth Neuropathy Type 2C; Charcot-Marie-Tooth Disease Type 2, TRPV4-Related (CMT2C). Identifiers: Orphanet 99937, MedGen C1853710, MONDO:0011633, OMIM 606071.

Allele frequency attached by ClinVar (database versions not stated): gnomAD 0.00001; gnomAD exomes 0.00001 and 0.00002; ExAC 0.00002; TOPMed 0.00002.
gnomAD v4.1: 31 of 1,608,200 alleles (0.0019%); highest among the groups gnomAD compares: East Asian, 0.0045%; no homozygotes.

Submission:

Labcorp Genetics (formerly Invitae), Labcorp
Classification: Uncertain significance for Charcot-Marie-Tooth disease axonal type 2C. Last evaluated: 2025-04-11. Review status: criteria provided, single submitter. Criteria: Invitae Variant Classification Sherloc (09022015). Collection method: clinical testing. Allele origin: germline.
Comment: This sequence change replaces arginine, which is basic and polar, with cysteine, which is neutral and slightly polar, at codon 503 of the TRPV4 protein (p.Arg503Cys). The frequency data for this variant in the population databases is considered unreliable, as metrics indicate poor data quality at this position in the gnomAD database. This variant has not been reported in the literature in individuals affected with TRPV4-related conditions. ClinVar contains an entry for this variant (Variation ID: 1406004). Invitae Evidence Modeling of protein sequence and biophysical properties (such as structural, functional, and spatial information, amino acid conservation, physicochemical variation, residue mobility, and thermodynamic stability) has been performed for this missense variant. However, the output from this modeling did not meet the statistical confidence thresholds required to predict the impact of this variant on TRPV4 protein function. In summary, the available evidence is currently insufficient to determine the role of this variant in disease. Therefore, it has been classified as a Variant of Uncertain Significance.

NM_021625.5(TRPV4):c.1507C>T (p.Arg503Cys)

Gene: TRPV4 (transient receptor potential cation channel subfamily V member 4; minus strand). Cytogenetic location: 12q24.11.
Variant type: single nucleotide variant.
Coding change: c.1507C>T on transcript NM_021625.5 (MANE Select); coding-DNA position 1507, C replaced by T.
Protein change: p.Arg503Cys; replaces arginine 503 with cysteine.
Molecular consequence: missense variant.
Genome position (GRCh38, 1-based): chr12:109,794,007, G>A on the plus strand (C>T on the coding strand, the complement: TRPV4 is on the minus strand). VCF-style: chr12-109794007-G-A. GRCh37 (hg19) VCF-style: chr12-110231812-G-A.
Other names: c.1366C>T, p.Arg456Cys (NM_001177428.2); c.1405C>T, p.Arg469Cys (NM_001177431.2); c.1186C>T, p.Arg396Cys (NM_001177433.2); c.1327C>T, p.Arg443Cys (NM_147204.3); short protein forms R396C, R469C, R443C, R456C, R503C.
Identifiers: ClinVar variation 1406004 (VCV001406004.9), dbSNP rs750992130, ClinGen allele CA6780203.